The following is an entry in ClinVar:

ClinVar aggregate classification (germline): Uncertain significance (1 of 4 stars; one submission).

Conditions:
Hereditary cancer-predisposing syndrome. Also called: Neoplastic Syndromes, Hereditary; Tumor predisposition; Hereditary neoplastic syndrome; Hereditary Cancer Syndrome. Identifiers: Orphanet 140162, MedGen C0027672, MeSH D009386, MONDO:0015356.

Submission:

Ambry Genetics
Classification: Uncertain significance for Hereditary cancer-predisposing syndrome. Last evaluated: 2024-02-12. Review status: criteria provided, single submitter. Criteria: Ambry Variant Classification Scheme 2023. Collection method: clinical testing. Allele origin: germline.
Comment: The c.2958_2966delTGAAGCAGC variant (also known as p.A988_E990del) is located in coding exon 20 of the TSC1 gene. This variant results from an in-frame TGAAGCAGC deletion at nucleotide positions 2958 to 2966. This results in the in-frame deletion of AAE residues at codons 988 to 990. This amino acid region is well conserved in available vertebrate species. In addition, this alteration is predicted to be neutral by in silico analysis (Choi Y et al. PLoS ONE. 2012; 7(10):e46688). Based on the available evidence, the clinical significance of this alteration remains unclear.

NM_000368.5(TSC1):c.2958_2966del (p.985AAE[1])

Gene: TSC1 (TSC complex subunit 1; minus strand). Cytogenetic location: 9q34.13.
Variant type: Deletion.
Coding change: c.2958_2966del on transcript NM_000368.5 (MANE Select); coding-DNA positions 2958 to 2966, 9 bases deleted (TGAAGCAGC; older notation c.2958_2966delTGAAGCAGC).
Protein change: p.985AAE[1].
Molecular consequence: inframe deletion. On other transcripts: non-coding transcript variant (5), inframe indel (1).
Genome position (GRCh38, 1-based): chr9:132,897,193-132,897,201, GCTGCTTCA deleted on the plus strand (TGAAGCAGC on the coding strand, the reverse complement: TSC1 is on the minus strand); deleting any 9 consecutive bases within chr9:132,897,193-132,897,209 gives the same sequence; the c. name uses the placement nearest the transcript's 3' end. VCF-style (leftmost placement, unchanged base first): chr9-132897192-TGCTGCTTCA-T. GRCh37 (hg19) VCF-style: chr9-135772579-TGCTGCTTCA-T.
Other names: c.2916_2924del, p.971AAE[1] (NM_001406607.1, NM_001406605.1, NM_001406606.1); c.2913_2921del, p.970AAE[1] (NM_001406608.1, NM_001406609.1); c.2805_2813del, p.934AAE[1] (NM_001406610.1, NM_001162427.2); c.2802_2810del, p.933AAE[1] (NM_001406611.1, NM_001406612.1); c.2760_2768del, p.919AAE[1] (NM_001406613.1); c.2595_2603del, p.864AAE[1] (NM_001406614.1, NM_001406615.1, NM_001406616.1 and 4 more transcripts); c.2592_2600del, p.863AAE[1] (NM_001406620.1, NM_001406621.1, NM_001406622.1 and 1 more transcripts); c.2553_2561del, p.850AAE[1] (NM_001406624.1); and 9 more.
Identifiers: ClinVar variation 3231313 (VCV003231313.1), dbSNP rs2131622960, ClinGen allele CA2825001611.